The following is an entry in ClinVar:

ClinVar aggregate classification (germline): Uncertain significance. Review status: criteria provided, multiple submitters, no conflicts (2 of 4 stars). 2 submissions from 2 submitters: Uncertain significance (2). Last evaluated 2025-03-10.

Conditions:
Inborn genetic diseases. Identifiers: MedGen C0950123, MeSH D030342.

Allele frequency attached by ClinVar (database versions not stated): ExAC 0.00001; gnomAD 0.00001 and 0.00002; gnomAD exomes 0.00001 and below 0.00001; TOPMed 0.00002; 1000 Genomes Project 30x 0.00016; 1000 Genomes Project 0.00020.
gnomAD v4.1: 16 of 1,614,050 alleles (0.00099%); highest among the groups gnomAD compares: South Asian, 0.011%; no homozygotes.

Submissions (2):

Labcorp Genetics (formerly Invitae), Labcorp
Classification: Uncertain significance. Last evaluated: 2025-03-10. Review status: criteria provided, single submitter. Criteria: Invitae Variant Classification Sherloc (09022015). Collection method: clinical testing. Allele origin: germline.
Comment: This sequence change replaces valine, which is neutral and non-polar, with alanine, which is neutral and non-polar, at codon 3621 of the FAT4 protein (p.Val3621Ala). This variant is present in population databases (rs530781443, gnomAD 0.004%). This variant has not been reported in the literature in individuals affected with FAT4-related conditions. ClinVar contains an entry for this variant (Variation ID: 1347660). Invitae Evidence Modeling of protein sequence and biophysical properties (such as structural, functional, and spatial information, amino acid conservation, physicochemical variation, residue mobility, and thermodynamic stability) indicates that this missense variant is not expected to disrupt FAT4 protein function with a negative predictive value of 95%. In summary, the available evidence is currently insufficient to determine the role of this variant in disease. Therefore, it has been classified as a Variant of Uncertain Significance.

Ambry Genetics
Classification: Uncertain significance for Inborn genetic diseases. Last evaluated: 2023-03-01. Review status: criteria provided, single submitter. Criteria: Ambry Variant Classification Scheme 2023. Collection method: clinical testing. Allele origin: germline.

NM_001291303.3(FAT4):c.10868T>C (p.Val3623Ala)

Gene: FAT4 (FAT atypical cadherin 4; plus strand). Cytogenetic location: 4q28.1.
Variant type: single nucleotide variant.
Coding change: c.10868T>C on transcript NM_001291303.3 (MANE Select); coding-DNA position 10868, T replaced by C.
Protein change: p.Val3623Ala; replaces valine 3623 with alanine.
Molecular consequence: missense variant.
Genome position (GRCh38, 1-based): chr4:125,451,878, T>C. VCF-style: chr4-125451878-T-C. GRCh37 (hg19) VCF-style: chr4-126373033-T-C.
Other names: c.10868T>C, p.Val3623Ala (NM_001291285.3); c.10862T>C, p.Val3621Ala (NM_024582.6); c.10862T>C (NM_024582.4); short protein forms V3621A, V3623A.
Identifiers: ClinVar variation 1347660 (VCV001347660.7), dbSNP rs530781443, ClinGen allele CA3073753.